The following is an entry in ClinVar:

NM_130806.5(RXFP2):c.1190G>A (p.Arg397Gln)

Gene: RXFP2 (relaxin family peptide receptor 2; plus strand). Cytogenetic location: 13q13.1.
Variant type: single nucleotide variant.
Coding change: c.1190G>A on transcript NM_130806.5 (MANE Select); coding-DNA position 1190, G replaced by A.
Protein change: p.Arg397Gln; replaces arginine 397 with glutamine.
Molecular consequence: missense variant.
Genome position (GRCh38, 1-based): chr13:31,791,850, G>A. VCF-style: chr13-31791850-G-A. GRCh37 (hg19) VCF-style: chr13-32365987-G-A.
Other names: c.1118G>A, p.Arg373Gln (NM_001166058.2); short protein forms R373Q, R397Q.
Identifiers: ClinVar variation 2637126 (VCV002637126.1), dbSNP rs140693726, ClinGen allele CA6937427.

ClinVar aggregate classification (germline): Uncertain significance (1 of 4 stars; one submission).

Conditions:
RXFP2-related disorder. Also called: RXFP2-related condition.

Allele frequency attached by ClinVar (database versions not stated): gnomAD 0.00003; TOPMed 0.00004; ExAC 0.00008; ESP Exome Variant Server 0.00008.
gnomAD v4.1: 25 of 1,614,084 alleles (0.0015%); highest among the groups gnomAD compares: South Asian, 0.0044%; no homozygotes.

Submission:

PreventionGenetics, part of Exact Sciences
Classification: Uncertain significance for RXFP2-related condition. Last evaluated: 2023-07-11. Review status: criteria provided, single submitter. Criteria: ACMG Guidelines, 2015. Collection method: clinical testing. Allele origin: germline.
Comment: The RXFP2 c.1190G>A variant is predicted to result in the amino acid substitution p.Arg397Gln. To our knowledge, this variant has not been reported in the literature. This variant is reported in 0.0085% of alleles in individuals of European (Non-Finnish) descent in gnomAD. At this time, the clinical significance of this variant is uncertain due to the absence of conclusive functional and genetic evidence.